The following is an entry in ClinVar:

NM_176822.4(NLRP14):c.2291+112T>A

Gene: NLRP14 (NLR family pyrin domain containing 14; plus strand). Cytogenetic location: 11p15.4.
Variant type: single nucleotide variant.
Coding change: c.2291+112T>A on transcript NM_176822.4 (MANE Select); 112 bases into the intron after coding-DNA position 2291, T replaced by A.
Molecular consequence: intron variant.
Genome position (GRCh38, 1-based): chr11:7,049,950, T>A. VCF-style: chr11-7049950-T-A. GRCh37 (hg19) VCF-style: chr11-7071181-T-A.
Identifiers: ClinVar variation 103345 (VCV000103345.2), dbSNP rs199475885, ClinGen allele CA230450.

ClinVar aggregate classification (germline): not provided (0 of 4 stars; one submission).

Allele frequency attached by ClinVar (database versions not stated): gnomAD 0.00001; gnomAD exomes 0.00001; TOPMed 0.00002.
gnomAD v4.1: 12 of 883,928 alleles (0.0014%); highest among the groups gnomAD compares: East Asian, 0.029%; no homozygotes.

Submission:

Human Evolutionary Genetics, Institut Pasteur
No classification provided. Review status: no classification provided. Collection method: not provided. Allele origin: germline.
ClinVar note: Converted during submission from untested to not provided.